The following is an entry in ClinVar:

NM_017799.4(TMEM260):c.377C>T (p.Ala126Val)

Gene: TMEM260 (transmembrane protein 260; plus strand). Cytogenetic location: 14q22.3.
Variant type: single nucleotide variant.
Coding change: c.377C>T on transcript NM_017799.4 (MANE Select); coding-DNA position 377, C replaced by T.
Protein change: p.Ala126Val; replaces alanine 126 with valine.
Molecular consequence: missense variant.
Genome position (GRCh38, 1-based): chr14:56,603,847, C>T. VCF-style: chr14-56603847-C-T. GRCh37 (hg19) VCF-style: chr14-57070565-C-T.
Other names: short protein forms A126V.
Identifiers: ClinVar variation 689637 (VCV000689637.2), dbSNP rs1447833652, ClinGen allele CA389827214.

ClinVar aggregate classification (germline): Uncertain significance (1 of 4 stars; one submission).

Conditions:
Structural heart defects and renal anomalies syndrome (SHDRA). Identifiers: Orphanet 689822, MedGen C4479549, MONDO:0044321, OMIM 617478.

Allele frequency attached by ClinVar (database versions not stated): gnomAD 0.00001; gnomAD exomes 0.00001; TOPMed 0.00001.
gnomAD v4.1: 14 of 1,613,702 alleles (0.00087%); highest among the groups gnomAD compares: African/African-American, 0.0013%; no homozygotes.

Submission:

HudsonAlpha Institute for Biotechnology
Classification: Uncertain significance for Structural heart defects and renal anomalies syndrome. Last evaluated: 2019-07-01. Review status: criteria provided, single submitter. Criteria: ACMG Guidelines, 2015. Collection method: research. Allele origin: paternal. Observed: 1 variant allele. Study: CSER-SouthSeq.
Comment: ACMG codes: PM2, PM3, PP3